The following is an entry in ClinVar:

NM_006231.4(POLE):c.3676C>G (p.Pro1226Ala)

Gene: POLE (DNA polymerase epsilon, catalytic subunit; minus strand). Cytogenetic location: 12q24.33.
Variant type: single nucleotide variant.
Coding change: c.3676C>G on transcript NM_006231.4 (MANE Select); coding-DNA position 3676, C replaced by G.
Protein change: p.Pro1226Ala; replaces proline 1226 with alanine.
Molecular consequence: missense variant.
Genome position (GRCh38, 1-based): chr12:132,649,796, G>C on the plus strand (C>G on the coding strand, the complement: POLE is on the minus strand). VCF-style: chr12-132649796-G-C. GRCh37 (hg19) VCF-style: chr12-133226382-G-C.
Other names: short protein forms P1226A.
Identifiers: ClinVar variation 3422132 (VCV003422132.1).
Genomic context (GRCh38, chr12:132,649,796, plus strand): 5'-TGAGGTCCTGGGACTCCTCCTGGCTCTCCCAAAGAACTCGCTTCCTCTTCACAGTGACAG[G>C]GGCTGCTGGGTGAGGCAGCTTTACGAGGCCGAAGTCCTCCATGTCAGGAGCACTTGGCCT-3'
Protein context (NP_006222.2, residues 1216-1236): GLVKLPHPAA[Pro1226Ala]VTVKRKRVLW

ClinVar aggregate classification (germline): Uncertain significance (1 of 4 stars; one submission).

Conditions:
Hereditary cancer-predisposing syndrome. Also called: Neoplastic Syndromes, Hereditary; Tumor predisposition; Hereditary Cancer Syndrome; Hereditary neoplastic syndrome. Identifiers: Orphanet 140162, MedGen C0027672, MeSH D009386, MONDO:0015356.

Submission:

Ambry Genetics
Classification: Uncertain significance for Hereditary cancer-predisposing syndrome. Last evaluated: 2024-08-12. Review status: criteria provided, single submitter. Criteria: Ambry Variant Classification Scheme 2023. Collection method: clinical testing. Allele origin: germline.
Comment: The p.P1226A variant (also known as c.3676C>G), located in coding exon 30 of the POLE gene, results from a C to G substitution at nucleotide position 3676. The proline at codon 1226 is replaced by alanine, an amino acid with highly similar properties. This amino acid position is conserved. In addition, this alteration is predicted to be tolerated by in silico analysis. Based on the available evidence, the clinical significance of this variant remains unclear.